The following is an entry in ClinVar:

NM_021615.5(CHST6):c.713G>A (p.Gly238Asp)

Gene: CHST6 (carbohydrate sulfotransferase 6; minus strand). Cytogenetic location: 16q23.1.
Variant type: single nucleotide variant.
Coding change: c.713G>A on transcript NM_021615.5 (MANE Select); coding-DNA position 713, G replaced by A.
Protein change: p.Gly238Asp; replaces glycine 238 with aspartic acid.
Molecular consequence: missense variant.
Genome position (GRCh38, 1-based): chr16:75,479,116, C>T on the plus strand (G>A on the coding strand, the complement: CHST6 is on the minus strand). VCF-style: chr16-75479116-C-T. GRCh37 (hg19) VCF-style: chr16-75513014-C-T.
Other names: c.713G>A (NM_021615.4); short protein forms G238D.
Identifiers: ClinVar variation 2082569 (VCV002082569.4), dbSNP rs199971460, ClinGen allele CA8175417.
Genomic context (GRCh38, chr16:75,479,116, plus strand): 5'-AGTGTGGCGGCCTCGGCGATGCGTACGTGGCTACGGCACACCTCGCGCACCACGCGCAGG[C>T]CGGGGTCGGCCTCCACCCACGTGCCGTTGGTGCCCAGCACGATGCCGTTGTCACGCGCCA-3'
Protein context (NP_067628.1, residues 228-248): TNGTWVEADP[Gly238Asp]LRVVREVCRS

ClinVar aggregate classification (germline): Uncertain significance. Review status: criteria provided, multiple submitters, no conflicts (2 of 4 stars). 2 submissions from 2 submitters: Uncertain significance (2). Last evaluated 2025-08-09.

Conditions:
Inborn genetic diseases. Identifiers: MedGen C0950123, MeSH D030342.
Macular corneal dystrophy (MCD). Also called: Macular corneal dystrophy Type I; GROENOUW TYPE II CORNEAL DYSTROPHY. Identifiers: Orphanet 98969, MedGen C1636149, MONDO:0009020, OMIM 217800.

Allele frequency attached by ClinVar (database versions not stated): TOPMed 0.00020; 1000 Genomes Project 30x 0.00031; 1000 Genomes Project 0.00040.
gnomAD v4.1: 33 of 1,605,260 alleles (0.0021%); highest among the groups gnomAD compares: Admixed American, 0.047%; 1 homozygote.

Submissions (2):

Ambry Genetics
Classification: Uncertain significance for Inborn genetic diseases. Last evaluated: 2025-08-09. Review status: criteria provided, single submitter. Criteria: Ambry Variant Classification Scheme 2023. Collection method: clinical testing. Allele origin: germline.

Labcorp Genetics (formerly Invitae), Labcorp
Classification: Uncertain significance for Macular corneal dystrophy. Last evaluated: 2024-04-16. Review status: criteria provided, single submitter. Criteria: Invitae Variant Classification Sherloc (09022015). Collection method: clinical testing. Allele origin: germline.
Comment: This sequence change replaces glycine, which is neutral and non-polar, with aspartic acid, which is acidic and polar, at codon 238 of the CHST6 protein (p.Gly238Asp). This variant is present in population databases (rs199971460, gnomAD 0.02%). This variant has not been reported in the literature in individuals affected with CHST6-related conditions. ClinVar contains an entry for this variant (Variation ID: 2082569). Advanced modeling of protein sequence and biophysical properties (such as structural, functional, and spatial information, amino acid conservation, physicochemical variation, residue mobility, and thermodynamic stability) performed at Invitae indicates that this missense variant is not expected to disrupt CHST6 protein function with a negative predictive value of 80%. In summary, the available evidence is currently insufficient to determine the role of this variant in disease. Therefore, it has been classified as a Variant of Uncertain Significance.